The following is an entry in ClinVar:

NM_001903.5(CTNNA1):c.531_532del (p.Tyr177_Lys178delinsTer)

Gene: CTNNA1 (catenin alpha 1; plus strand). Cytogenetic location: 5q31.2.
Variant type: Microsatellite.
Coding change: c.531_532del on transcript NM_001903.5 (MANE Select); coding-DNA positions 531 to 532, 2 bases deleted (TA; older notation c.531_532delTA).
Protein change: p.Tyr177_Lys178delinsTer.
Molecular consequence: nonsense.
Genome position (GRCh38, 1-based): chr5:138,812,245-138,812,246, TA deleted; deleting any 2 consecutive bases within chr5:138,812,243-138,812,246 gives the same sequence; the c. name uses the placement nearest the transcript's 3' end. VCF-style (leftmost placement, unchanged base first): chr5-138812242-GTA-G. GRCh37 (hg19) VCF-style: chr5-138147931-GTA-G.
Other names: c.531_532del, p.Tyr177_Lys178delinsTer (NM_001323984.2, NM_001323985.2, NM_001323986.2 and 3 more transcripts); c.162_163del, p.Tyr54_Lys55delinsTer (NM_001290310.3); c.222_223del, p.Tyr74_Lys75delinsTer (NM_001290309.3).
Identifiers: ClinVar variation 4235626 (VCV004235626.1).

ClinVar aggregate classification (germline): Pathogenic (1 of 4 stars; one submission).

Conditions:
Hereditary cancer-predisposing syndrome. Also called: Hereditary Cancer Syndrome; Hereditary neoplastic syndrome; Neoplastic Syndromes, Hereditary; Tumor predisposition. Identifiers: Orphanet 140162, MedGen C0027672, MeSH D009386, MONDO:0015356.

Submission:

Ambry Genetics
Classification: Pathogenic for Hereditary cancer-predisposing syndrome. Last evaluated: 2025-07-08. Review status: criteria provided, single submitter. Criteria: Ambry Variant Classification Scheme 2023. Collection method: clinical testing. Allele origin: germline.
Comment: The c.531_532delTA pathogenic mutation, located in coding exon 4 of the CTNNA1 gene, results from a deletion of two nucleotides at nucleotide positions 531 to 532, causing a translational frameshift with a predicted alternate stop codon (p.Y177*). This variant is considered to be rare based on population cohorts in the Genome Aggregation Database (gnomAD). This alteration is expected to result in loss of function by premature protein truncation or nonsense-mediated mRNA decay. As such, this alteration is interpreted as a disease-causing mutation.